The following is an entry in ClinVar:

ClinVar aggregate classification (germline): Uncertain significance (1 of 4 stars; one submission).

Conditions:
Long QT syndrome (LQTS). Identifiers: MedGen C0023976, MeSH D008133, MONDO:0002442. Disease mechanism: loss of function. Inheritance: Various modes of inheritance.

Allele frequency attached by ClinVar (database versions not stated): gnomAD exomes below 0.00001 and 0.00001; ExAC 0.00002.

Submission:

Labcorp Genetics (formerly Invitae), Labcorp
Classification: Uncertain significance for Long QT syndrome. Last evaluated: 2025-04-18. Review status: criteria provided, single submitter. Criteria: Invitae Variant Classification Sherloc (09022015). Collection method: clinical testing. Allele origin: germline.
Comment: This sequence change replaces aspartic acid, which is acidic and polar, with asparagine, which is neutral and polar, at codon 1878 of the CACNA1C protein (p.Asp1878Asn). This variant is present in population databases (rs767395651, gnomAD 0.006%). This variant has not been reported in the literature in individuals affected with CACNA1C-related conditions. ClinVar contains an entry for this variant (Variation ID: 1477514). Invitae Evidence Modeling of protein sequence and biophysical properties (such as structural, functional, and spatial information, amino acid conservation, physicochemical variation, residue mobility, and thermodynamic stability) indicates that this missense variant is not expected to disrupt CACNA1C protein function with a negative predictive value of 95%. In summary, the available evidence is currently insufficient to determine the role of this variant in disease. Therefore, it has been classified as a Variant of Uncertain Significance.

NM_000719.7(CACNA1C):c.5632G>A (p.Asp1878Asn)

Genes: CACNA1C-AS1 (CACNA1C antisense RNA 1; minus strand), CACNA1C (calcium voltage-gated channel subunit alpha1 C; plus strand). Cytogenetic location: 12p13.33.
Variant type: single nucleotide variant.
Coding change: c.5632G>A on transcript NM_000719.7 (MANE Select); coding-DNA position 5632, G replaced by A.
Protein change: p.Asp1878Asn; replaces aspartic acid 1878 with asparagine.
Molecular consequence: missense variant.
Genome position (GRCh38, 1-based): chr12:2,685,794, G>A. VCF-style: chr12-2685794-G-A. GRCh37 (hg19) VCF-style: chr12-2794960-G-A.
Other names: c.5776G>A, p.Asp1926Asn (NM_001129827.2); c.5755G>A, p.Asp1919Asn (NM_001129829.2); c.5737G>A, p.Asp1913Asn (NM_001129830.3, NM_001167624.3); c.5716G>A, p.Asp1906Asn (NM_001129831.2); c.5692G>A, p.Asp1898Asn (NM_001129832.2); c.5689G>A, p.Asp1897Asn (NM_001129833.2, NM_001129834.2, NM_001129835.2); c.5683G>A, p.Asp1895Asn (NM_001129836.2); c.5656G>A, p.Asp1886Asn (NM_001129837.2, NM_001129838.2); and 6 more; short protein forms D1878N, D1926N, D1875N, D1906N, D1938N, D1884N, D1898N, D1919N.
Identifiers: ClinVar variation 1477514 (VCV001477514.6), dbSNP rs767395651, ClinGen allele CA6389910.